The following is an entry in ClinVar:

ClinVar aggregate classification (germline): Uncertain significance (1 of 4 stars; one submission).

Conditions:
Early-infantile DEE. Also called: Early infantile epileptic encephalopathy with suppression bursts; Ohtahara syndrome; Early infantile epileptic encephalopathy. Identifiers: Orphanet 1934, MedGen C0393706, MONDO:0800491.

Allele frequency attached by ClinVar (database versions not stated): ExAC 0.00001; gnomAD exomes below 0.00001.
gnomAD v4.1: 5 of 1,613,714 alleles (0.00031%); highest among the groups gnomAD compares: South Asian, 0.0022%; no homozygotes.

Submission:

Labcorp Genetics (formerly Invitae), Labcorp
Classification: Uncertain significance for Early-infantile DEE. Last evaluated: 2021-07-06. Review status: criteria provided, single submitter. Criteria: Invitae Variant Classification Sherloc (09022015). Collection method: clinical testing. Allele origin: germline.
Comment: This sequence change replaces leucine with phenylalanine at codon 185 of the KCNH5 protein (p.Leu185Phe). The leucine residue is highly conserved and there is a small physicochemical difference between leucine and phenylalanine. This variant is present in population databases (rs780855852, ExAC 0.002%). This variant has not been reported in the literature in individuals affected with KCNH5-related conditions. Algorithms developed to predict the effect of missense changes on protein structure and function are either unavailable or do not agree on the potential impact of this missense change (SIFT: "Deleterious"; PolyPhen-2: "Probably Damaging"; Align-GVGD: "Class C0"). In summary, the available evidence is currently insufficient to determine the role of this variant in disease. Therefore, it has been classified as a Variant of Uncertain Significance.

NM_139318.5(KCNH5):c.553C>T (p.Leu185Phe)

Gene: KCNH5 (potassium voltage-gated channel subfamily H member 5; minus strand). Cytogenetic location: 14q23.2.
Variant type: single nucleotide variant.
Coding change: c.553C>T on transcript NM_139318.5 (MANE Select); coding-DNA position 553, C replaced by T.
Protein change: p.Leu185Phe; replaces leucine 185 with phenylalanine.
Molecular consequence: missense variant.
Genome position (GRCh38, 1-based): chr14:62,981,261, G>A on the plus strand (C>T on the coding strand, the complement: KCNH5 is on the minus strand). VCF-style: chr14-62981261-G-A. GRCh37 (hg19) VCF-style: chr14-63447979-G-A.
Other names: c.553C>T, p.Leu185Phe (NM_172375.3); short protein forms L185F.
Identifiers: ClinVar variation 1366124 (VCV001366124.9), dbSNP rs780855852, ClinGen allele CA7217622.